The following is an entry in ClinVar:

NM_004415.4(DSP):c.344A>G (p.Asn115Ser)

Gene: DSP (desmoplakin; plus strand). Cytogenetic location: 6p24.3.
Variant type: single nucleotide variant.
Coding change: c.344A>G on transcript NM_004415.4 (MANE Select); coding-DNA position 344, A replaced by G.
Protein change: p.Asn115Ser; replaces asparagine 115 with serine.
Molecular consequence: missense variant.
Genome position (GRCh38, 1-based): chr6:7,558,186, A>G. VCF-style: chr6-7558186-A-G. GRCh37 (hg19) VCF-style: chr6-7558419-A-G.
Other names: p.Asn115Ser; c.344A>G (LRG_423t1); c.344A>G, p.Asn115Ser (NM_001008844.3, NM_001319034.2); short protein forms N115S.
Identifiers: ClinVar variation 518982 (VCV000518982.39), dbSNP rs28763958, ClinGen allele CA038108.

ClinVar aggregate classification (germline): Conflicting classifications of pathogenicity. Review status: criteria provided, conflicting classifications (1 of 4 stars). 7 submissions from 7 submitters: Uncertain significance (6); Likely benign (1). Last evaluated 2025-12-21.

Conditions:
Cardiovascular phenotype. Identifiers: MedGen CN230736.
Arrhythmogenic cardiomyopathy with wooly hair and keratoderma. Also called: PALMOPLANTAR KERATODERMA WITH LEFT VENTRICULAR CARDIOMYOPATHY AND WOOLLY HAIR; Arrhythmogenic cardiomyopathy with woolly hair and keratoderma; Dilated cardiomyopathy with woolly hair and keratoderma; Carvajal syndrome. Identifiers: Orphanet 65282, MedGen C1854063, MONDO:0011581, OMIM 605676.
Arrhythmogenic right ventricular dysplasia 8 (ARVD8). Also called: ARRHYTHMOGENIC RIGHT VENTRICULAR CARDIOMYOPATHY 8; ARRHYTHMOGENIC RIGHT VENTRICULAR DYSPLASIA, FAMILIAL, 8; Arrhythmogenic Right Ventricular Dysplasia/Cardiomyopathy 8. Identifiers: MedGen C1843896, MONDO:0011831, OMIM 607450.
Cardiomyopathy (CMYO). Also called: Cardiomyopathies. Identifiers: Orphanet 167848, MedGen C0878544, MONDO:0004994, HP:0001638. Inheritance: Various modes of inheritance.
Primary dilated cardiomyopathy (DCM). Also called: Dilated Cardiomyopathy. Identifiers: Orphanet 217604, MedGen C0007193, MeSH D002311, MONDO:0005021, HP:0001644. Inheritance: Various modes of inheritance.

Allele frequency attached by ClinVar (database versions not stated): gnomAD 0.00003; gnomAD exomes 0.00003 and 0.00006; TOPMed 0.00003; ExAC 0.00006; 1000 Genomes Project 0.00020; 1000 Genomes Project 30x 0.00031.
gnomAD v4.1: 55 of 1,614,236 alleles (0.0034%); highest among the groups gnomAD compares: East Asian, 0.0089%; no homozygotes.

Submissions (7):

Labcorp Genetics (formerly Invitae), Labcorp
Classification: Likely benign for Arrhythmogenic cardiomyopathy with wooly hair and keratoderma; Arrhythmogenic right ventricular dysplasia 8. Last evaluated: 2025-12-21. Review status: criteria provided, single submitter. Criteria: Invitae Variant Classification Sherloc (09022015). Collection method: clinical testing. Allele origin: germline.

Color Diagnostics, LLC DBA Color Health
Classification: Uncertain significance for Cardiomyopathy. Last evaluated: 2025-12-10. Review status: criteria provided, single submitter. Criteria: ACMG Guidelines, 2015. Collection method: clinical testing. Allele origin: germline.
Comment: This missense variant replaces asparagine with serine at codon 115 of the DSP protein. Computational prediction suggests that this variant may not impact protein structure and function. To our knowledge, functional studies have not been reported for this variant. This variant has been reported in an individual affected dilated cardiomyopathy (PMID: 35581137). This variant has been identified in 55/1614236 chromosomes in the general population by the Genome Aggregation Database (gnomAD). The available evidence is insufficient to determine the role of this variant in disease conclusively. Therefore, this variant is classified as a Variant of Uncertain Significance.

All of Us Research Program, National Institutes of Health
Classification: Uncertain significance for Arrhythmogenic cardiomyopathy with wooly hair and keratoderma. Last evaluated: 2024-07-29. Review status: criteria provided, single submitter. Criteria: ACMG Guidelines, 2015. Collection method: clinical testing. Allele origin: germline. Inheritance: Autosomal dominant inheritance. Observed: 9 variant alleles, 9 heterozygotes.
Comment: This missense variant replaces asparagine with serine at codon 115 of the DSP protein. Computational prediction suggests that this variant may not impact protein structure and function (internally defined REVEL score threshold <= 0.5, PMID: 27666373). To our knowledge, functional studies have not been reported for this variant. This variant has been reported in an individual affected dilated cardiomyopathy (PMID: 35581137). This variant has been identified in 16/251460 chromosomes in the general population by the Genome Aggregation Database (gnomAD). The available evidence is insufficient to determine the role of this variant in disease conclusively. Therefore, this variant is classified as a Variant of Uncertain Significance.

This study involves interpretation of variants in research participants for the purpose of population health screening. Participant phenotype was not available at the time of variant classification. Additional details can be found in publication PMID: 35346344, PMCID: PMC8962531

Mayo Clinic Laboratories, Mayo Clinic
Classification: Uncertain significance. Last evaluated: 2023-10-13. Review status: criteria provided, single submitter. Criteria: ACMG Guidelines, 2015. Collection method: clinical testing. Allele origin: germline. Observed: 1 variant allele.

Ambry Genetics
Classification: Uncertain significance for Cardiovascular phenotype. Last evaluated: 2022-12-19. Review status: criteria provided, single submitter. Criteria: Ambry Variant Classification Scheme 2023. Collection method: clinical testing. Allele origin: germline.
Comment: The p.N115S variant (also known as c.344A>G), located in coding exon 3 of the DSP gene, results from an A to G substitution at nucleotide position 344. The asparagine at codon 115 is replaced by serine, an amino acid with highly similar properties. This variant has been detected in an individual from a dilated cardiomyopathy cohort (Boen HM et al. J Heart Lung Transplant. 2022 Sep;41(9):1218-1227). This amino acid position is highly conserved in available vertebrate species. In addition, this alteration is predicted to be tolerated by in silico analysis. Since supporting evidence is limited at this time, the clinical significance of this alteration remains unclear.

Loeys Lab, Universiteit Antwerpen
Classification: Uncertain significance for Primary dilated cardiomyopathy. Last evaluated: 2021-02-26. Review status: criteria provided, single submitter. Criteria: ACMG Guidelines, 2015. Collection method: clinical testing. Allele origin: somatic. Affected: yes. Observed: 1 variant allele, 1 heterozygote.
Comment: This sequence change results in a missense variant in the DSP gene (p.(Asn115Ser)) )), which is a known mechanism (PP2). This variant is present in population databases with a prevalence of 7/121400 in GnomAD). This variant has not been reported in the literature and no functional data are available. Prediction programs show conflicting results ( Align GVGD C0; Polyphen-2-HumDiv probably damaging; Polyphen-2-HumVar probably damaging; SIFT not pathogenic). In conclusion this variant was classified as a variant of unknown significance according to ACMG-guidelines (insufficient data, criteria for other classification are not met: PP2).

GeneDx
Classification: Uncertain significance. Last evaluated: 2020-01-17. Review status: criteria provided, single submitter. Criteria: GeneDx Variant Classification Process June 2021. Collection method: clinical testing. Allele origin: germline. Affected: yes.
Comment: Has not been previously published as pathogenic or benign to our knowledge; Reported in ClinVar as a variant of uncertain significance (ClinVar Variant ID#; Landrum et al., 2016); In silico analysis, which includes protein predictors and evolutionary conservation, supports that this variant does not alter protein structure/function

Literature cited by the submitters: PubMed 35581137 (cited by 4 submitters).